The following is an entry in ClinVar:

NM_001378452.1(ITPR1):c.7069G>A (p.Gly2357Arg)

Gene: ITPR1 (inositol 1,4,5-trisphosphate receptor type 1; plus strand). Cytogenetic location: 3p26.1.
Variant type: single nucleotide variant.
Coding change: c.7069G>A on transcript NM_001378452.1 (MANE Select); coding-DNA position 7069, G replaced by A.
Protein change: p.Gly2357Arg; replaces glycine 2357 with arginine.
Molecular consequence: missense variant.
Genome position (GRCh38, 1-based): chr3:4,800,562, G>A. VCF-style: chr3-4800562-G-A. GRCh37 (hg19) VCF-style: chr3-4842246-G-A.
Other names: c.6925G>A, p.Gly2309Arg (NM_001099952.4); c.7024G>A, p.Gly2342Arg (NM_001168272.2); c.6880G>A, p.Gly2294Arg (NM_002222.7); short protein forms G2294R, G2309R, G2342R, G2357R.
Identifiers: ClinVar variation 1804392 (VCV001804392.4), dbSNP rs2470134039, ClinGen allele CA351643901.
Genomic context (GRCh38, chr3:4,800,562, plus strand): 5'-AAGCCCCATGGCATCCGGGCCTTAATTGCCTCCACAATTCTACGACTGATATTTTCAGTC[G>A]GGTTACAACCCACGTTGTTTCTTCTGGGCGCTTTCAATGTAAGTGTGAATACCTTCCTTG-3'
Protein context (NP_001365381.1, residues 2347-2367): STILRLIFSV[Gly2357Arg]LQPTLFLLGA

ClinVar aggregate classification (germline): Uncertain significance. Review status: criteria provided, multiple submitters, no conflicts (2 of 4 stars). 2 submissions from 2 submitters: Uncertain significance (2). Last evaluated 2024-07-31.

Allele frequency attached by ClinVar (database versions not stated): gnomAD exomes below 0.00001.
gnomAD v4.1: 5 of 1,614,000 alleles (0.00031%); highest among the groups gnomAD compares: Non-Finnish European, 0.00042%; no homozygotes.

Submissions (2):

Labcorp Genetics (formerly Invitae), Labcorp
Classification: Uncertain significance. Last evaluated: 2024-07-31. Review status: criteria provided, single submitter. Criteria: Invitae Variant Classification Sherloc (09022015). Collection method: clinical testing. Allele origin: germline.
Comment: This sequence change replaces glycine, which is neutral and non-polar, with arginine, which is basic and polar, at codon 2294 of the ITPR1 protein (p.Gly2294Arg). This variant is not present in population databases (gnomAD no frequency). This variant has not been reported in the literature in individuals affected with ITPR1-related conditions. ClinVar contains an entry for this variant (Variation ID: 1804392). Advanced modeling of protein sequence and biophysical properties (such as structural, functional, and spatial information, amino acid conservation, physicochemical variation, residue mobility, and thermodynamic stability) performed at Invitae indicates that this missense variant is expected to disrupt ITPR1 protein function with a positive predictive value of 95%. In summary, the available evidence is currently insufficient to determine the role of this variant in disease. Therefore, it has been classified as a Variant of Uncertain Significance.

GeneDx
Classification: Uncertain significance. Last evaluated: 2022-06-16. Review status: criteria provided, single submitter. Criteria: GeneDx Variant Classification Process June 2021. Collection method: clinical testing. Allele origin: germline. Affected: yes.
Comment: Not observed at significant frequency in large population cohorts (gnomAD); In silico analysis supports that this missense variant has a deleterious effect on protein structure/function; Has not been previously published as pathogenic or benign to our knowledge